The following is an entry in ClinVar:

NM_148919.4(PSMB8):c.133C>A (p.Pro45Thr)

Gene: PSMB8 (proteasome 20S subunit beta 8; minus strand). Cytogenetic location: 6p21.32.
Variant type: single nucleotide variant.
Coding change: c.133C>A on transcript NM_148919.4 (MANE Select); coding-DNA position 133, C replaced by A.
Protein change: p.Pro45Thr; replaces proline 45 with threonine.
Molecular consequence: missense variant. On other transcripts: intron variant (1).
Genome position (GRCh38, 1-based): chr6:32,843,864, G>T on the plus strand (C>A on the coding strand, the complement: PSMB8 is on the minus strand). VCF-style: chr6-32843864-G-T. GRCh37 (hg19) VCF-style: chr6-32811641-G-T.
Other names: c.135+415C>A (NM_004159.5); short protein forms P45T.
Identifiers: ClinVar variation 1004258 (VCV001004258.7), dbSNP rs776484021, ClinGen allele CA3746496.

ClinVar aggregate classification (germline): Uncertain significance (1 of 4 stars; one submission).

Conditions:
Proteosome-associated autoinflammatory syndrome. Also called: Proteasome-associated autoinflammatory syndrome. Identifiers: Orphanet 324977, MedGen C1850568, MONDO:0009726.

Allele frequency attached by ClinVar (database versions not stated): ExAC 0.00011.

Submission:

Labcorp Genetics (formerly Invitae), Labcorp
Classification: Uncertain significance for Proteosome-associated autoinflammatory syndrome. Last evaluated: 2020-08-30. Review status: criteria provided, single submitter. Criteria: Invitae Variant Classification Sherloc (09022015). Collection method: clinical testing. Allele origin: germline.
Comment: In summary, the available evidence is currently insufficient to determine the role of this variant in disease. Therefore, it has been classified as a Variant of Uncertain Significance. Algorithms developed to predict the effect of missense changes on protein structure and function (SIFT, PolyPhen-2, Align-GVGD) all suggest that this variant is likely to be disruptive, but these predictions have not been confirmed by published functional studies and their clinical significance is uncertain. This variant has not been reported in the literature in individuals with PSMB8-related conditions. This variant is present in population databases (rs776484021, ExAC 0.2%). This sequence change replaces proline with threonine at codon 45 of the PSMB8 protein (p.Pro45Thr). The proline residue is highly conserved and there is a small physicochemical difference between proline and threonine.